The following is an entry in ClinVar:

ClinVar aggregate classification (germline): Uncertain significance. Review status: criteria provided, multiple submitters, no conflicts (2 of 4 stars). 3 submissions from 3 submitters: Uncertain significance (2). 1 of the submissions does not count toward it. Last evaluated 2025-05-14.

Allele frequency attached by ClinVar (database versions not stated): gnomAD 0.00008 and 0.00010; ExAC 0.00009; gnomAD exomes 0.00010 and 0.00027; TOPMed 0.00019.
gnomAD v4.1: 401 of 1,613,942 alleles (0.025%); highest among the groups gnomAD compares: Non-Finnish European, 0.032%; no homozygotes.

Submissions (3):

Women's Health and Genetics/Laboratory Corporation of America, LabCorp
Classification: Uncertain significance. Last evaluated: 2025-05-14. Review status: criteria provided, single submitter. Criteria: LabCorp Variant Classification Summary - May 2015. Collection method: clinical testing. Allele origin: germline.
Comment: Variant summary: SGPL1 c.766A>G (p.Ile256Val) results in a conservative amino acid change in the encoded protein sequence. Algorithms developed to predict the effect of missense changes on protein structure and function are either unavailable or do not agree on the potential impact of this missense change. The variant allele was found at a frequency of 0.0001 in 251346 control chromosomes (gnomAD). This frequency is not significantly higher than estimated for a pathogenic variant in SGPL1 causing Nephrotic syndrome 14 (0.0001 vs 0.0011), allowing no conclusion about variant significance. To our knowledge, no occurrence of c.766A>G in individuals affected with Nephrotic syndrome 14 and no experimental evidence demonstrating its impact on protein function have been reported. ClinVar contains an entry for this variant (Variation ID: 1443563). Based on the evidence outlined above, the variant was classified as uncertain significance.

Labcorp Genetics (formerly Invitae), Labcorp
Classification: Uncertain significance. Last evaluated: 2024-10-16. Review status: criteria provided, single submitter. Criteria: Invitae Variant Classification Sherloc (09022015). Collection method: clinical testing. Allele origin: germline.
Comment: This sequence change replaces isoleucine, which is neutral and non-polar, with valine, which is neutral and non-polar, at codon 256 of the SGPL1 protein (p.Ile256Val). This variant is present in population databases (rs759865429, gnomAD 0.02%). This variant has not been reported in the literature in individuals affected with SGPL1-related conditions. ClinVar contains an entry for this variant (Variation ID: 1443563). Invitae Evidence Modeling of protein sequence and biophysical properties (such as structural, functional, and spatial information, amino acid conservation, physicochemical variation, residue mobility, and thermodynamic stability) indicates that this missense variant is not expected to disrupt SGPL1 protein function with a negative predictive value of 80%. In summary, the available evidence is currently insufficient to determine the role of this variant in disease. Therefore, it has been classified as a Variant of Uncertain Significance.

Genetic Services Laboratory, University of Chicago
Classification: Uncertain significance. Last evaluated: 2022-12-16. Review status: no assertion criteria provided. Collection method: clinical testing. Allele origin: germline. Affected: no. Not counted in ClinVar's aggregate classification.
Comment: DNA sequence analysis of the SGPL1 gene demonstrated a sequence change, c.766A>G, in exon 9 that results in an amino acid change, p.Ile256Val. This sequence change does not appear to have been previously described in individuals with SGPL1-related disorders. This sequence change has been described in the gnomAD database with a frequency of 0.018% in the European subpopulation (dbSNP rs759865429). The p.Ile256Val change affects a moderately conserved amino acid residue located in a domain of the SGPL1 protein that is known to be functional. The p.Ile256Val substitution appears to be benign using several in-silico pathogenicity prediction tools (SIFT, PolyPhen2, Align GVGD, REVEL). Due to insufficient evidences and the lack of functional studies, the clinical significance of the p.Ile256Val change remains unknown at this time. Biallelic pathogenic variants in SGPL1 are associated with nephrotic syndrome, type 14 [OMIM# 617575] a recessive form of steroid-resistant nephrotic syndrome with multisystemic manifestations. Some affected males have been reported with micropenis, cryptorchidism, and absent testes.

NM_003901.4(SGPL1):c.766A>G (p.Ile256Val)

Gene: SGPL1 (sphingosine-1-phosphate lyase 1; plus strand). Cytogenetic location: 10q22.1.
Variant type: single nucleotide variant.
Coding change: c.766A>G on transcript NM_003901.4 (MANE Select); coding-DNA position 766, A replaced by G.
Protein change: p.Ile256Val; replaces isoleucine 256 with valine.
Molecular consequence: missense variant.
Genome position (GRCh38, 1-based): chr10:70,869,853, A>G. VCF-style: chr10-70869853-A-G. GRCh37 (hg19) VCF-style: chr10-72629610-A-G.
Other names: c.766A>G (NM_003901.3); short protein forms I256V.
Identifiers: ClinVar variation 1443563 (VCV001443563.6), dbSNP rs759865429, ClinGen allele CA5541289.
Genomic context (GRCh38, chr10:70,869,853, plus strand): 5'-GTGGCTCCCCAAAGTGCCCATGCTGCATTTAACAAAGCAGCCAGTTACTTTGGGATGAAG[A>G]TTGTGCGGGTCCCATTGACGAAGATGATGGAGGTGGATGTGCGGGTGAGTCCCTCTGGAG-3'
Protein context (NP_003892.2, residues 246-266): NKAASYFGMK[Ile256Val]VRVPLTKMME